The following is an entry in ClinVar:

ClinVar aggregate classification (germline): Likely benign. Review status: criteria provided, multiple submitters, no conflicts (2 of 4 stars). 5 submissions from 5 submitters: Likely benign (4). 1 of the submissions does not count toward it. Last evaluated 2024-11-07.

Conditions:
Cardiovascular phenotype. Identifiers: MedGen CN230736.
ABCG8-related disorder. Also called: ABCG8-related condition.

Allele frequency attached by ClinVar (database versions not stated): ExAC 0.00003; gnomAD 0.00005; gnomAD exomes 0.00005.
gnomAD v4.1: 74 of 1,614,056 alleles (0.0046%); highest among the groups gnomAD compares: African/African-American, 0.0067%; no homozygotes.

Submissions (5):

Blueprint Genetics
Classification: Likely benign. Last evaluated: 2024-11-07. Review status: criteria provided, single submitter. Criteria: ACMG Guidelines, 2015. Collection method: clinical testing. Allele origin: germline.

Labcorp Genetics (formerly Invitae), Labcorp
Classification: Likely benign. Last evaluated: 2024-09-04. Review status: criteria provided, single submitter. Criteria: Invitae Variant Classification Sherloc (09022015). Collection method: clinical testing. Allele origin: germline.

Women's Health and Genetics/Laboratory Corporation of America, LabCorp
Classification: Likely benign. Last evaluated: 2023-08-01. Review status: criteria provided, single submitter. Criteria: LabCorp Variant Classification Summary - May 2015. Collection method: clinical testing. Allele origin: germline.

Ambry Genetics
Classification: Likely benign for Cardiovascular phenotype. Last evaluated: 2019-09-09. Review status: criteria provided, single submitter. Criteria: Ambry Variant Classification Scheme 2023. Collection method: clinical testing. Allele origin: germline.

PreventionGenetics, part of Exact Sciences
Classification: Likely benign for ABCG8-related condition. Last evaluated: 2021-08-09. Review status: no assertion criteria provided. Collection method: clinical testing. Allele origin: germline. Not counted in ClinVar's aggregate classification.
Comment: This variant is classified as likely benign based on ACMG/AMP sequence variant interpretation guidelines (Richards et al. 2015 PMID: 25741868, with internal and published modifications).

NM_022437.3(ABCG8):c.1227C>T (p.Asn409=)

Gene: ABCG8 (ATP binding cassette subfamily G member 8; plus strand). Cytogenetic location: 2p21.
Variant type: single nucleotide variant.
Coding change: c.1227C>T on transcript NM_022437.3 (MANE Select); coding-DNA position 1227, C replaced by T.
Protein change: p.Asn409=; no amino-acid change (asparagine 409 retained).
Molecular consequence: synonymous variant.
Genome position (GRCh38, 1-based): chr2:43,873,802, C>T. VCF-style: chr2-43873802-C-T. GRCh37 (hg19) VCF-style: chr2-44100941-C-T.
Other names: c.1224C>T, p.Asn408= (NM_001357321.2).
Identifiers: ClinVar variation 1754504 (VCV001754504.11), dbSNP rs774459606, ClinGen allele CA1637373.